The following is an entry in ClinVar:

NM_138927.4(SON):c.4781C>G (p.Ser1594Cys)

Gene: SON (SON DNA and RNA binding protein; plus strand). Cytogenetic location: 21q22.11.
Variant type: single nucleotide variant.
Coding change: c.4781C>G on transcript NM_138927.4 (MANE Select); coding-DNA position 4781, C replaced by G.
Protein change: p.Ser1594Cys; replaces serine 1594 with cysteine.
Molecular consequence: missense variant. On other transcripts: non-coding transcript variant (1), intron variant (1).
Genome position (GRCh38, 1-based): chr21:33,554,012, C>G. VCF-style: chr21-33554012-C-G. GRCh37 (hg19) VCF-style: chr21-34926318-C-G.
Other names: c.245-3144C>G (NM_001291412.3); c.4781C>G, p.Ser1594Cys (NM_001291411.2, NM_032195.3); short protein forms S1594C.
Identifiers: ClinVar variation 3670192 (VCV003670192.2).

ClinVar aggregate classification (germline): Uncertain significance (1 of 4 stars; one submission).

Submission:

Labcorp Genetics (formerly Invitae), Labcorp
Classification: Uncertain significance. Last evaluated: 2024-04-17. Review status: criteria provided, single submitter. Criteria: Invitae Variant Classification Sherloc (09022015). Collection method: clinical testing. Allele origin: germline.
Comment: This sequence change replaces serine, which is neutral and polar, with cysteine, which is neutral and slightly polar, at codon 1594 of the SON protein (p.Ser1594Cys). This variant is not present in population databases (gnomAD no frequency). This variant has not been reported in the literature in individuals affected with SON-related conditions. An algorithm developed to predict the effect of missense changes on protein structure and function (PolyPhen-2) suggests that this variant is likely to be disruptive. In summary, the available evidence is currently insufficient to determine the role of this variant in disease. Therefore, it has been classified as a Variant of Uncertain Significance.